The following is an entry in ClinVar:

NM_000944.5(PPP3CA):c.16G>A (p.Ala6Thr)

Gene: PPP3CA (protein phosphatase 3 catalytic subunit alpha; minus strand). Cytogenetic location: 4q24.
Variant type: single nucleotide variant.
Coding change: c.16G>A on transcript NM_000944.5 (MANE Select); coding-DNA position 16, G replaced by A.
Protein change: p.Ala6Thr; replaces alanine 6 with threonine.
Molecular consequence: missense variant.
Genome position (GRCh38, 1-based): chr4:101,346,781, C>T on the plus strand (G>A on the coding strand, the complement: PPP3CA is on the minus strand). VCF-style: chr4-101346781-C-T. GRCh37 (hg19) VCF-style: chr4-102267938-C-T.
Other names: c.16G>A, p.Ala6Thr (NM_001130691.2, NM_001130692.2); short protein forms A6T.
Identifiers: ClinVar variation 2435230 (VCV002435230.7), dbSNP rs770314812, ClinGen allele CA3024647.

ClinVar aggregate classification (germline): Uncertain significance. Review status: criteria provided, multiple submitters, no conflicts (2 of 4 stars). 3 submissions from 3 submitters: Uncertain significance (3). Last evaluated 2023-01-13.

Allele frequency attached by ClinVar (database versions not stated): gnomAD exomes below 0.00001; ExAC 0.00001.
gnomAD v4.1: 4 of 1,611,504 alleles (0.00025%); highest among the groups gnomAD compares: South Asian, 0.0033%; no homozygotes.

Submissions (3):

Labcorp Genetics (formerly Invitae), Labcorp
Classification: Uncertain significance. Last evaluated: 2023-01-13. Review status: criteria provided, single submitter. Criteria: Invitae Variant Classification Sherloc (09022015). Collection method: clinical testing. Allele origin: germline.
Comment: In summary, the available evidence is currently insufficient to determine the role of this variant in disease. Therefore, it has been classified as a Variant of Uncertain Significance. Algorithms developed to predict the effect of missense changes on protein structure and function (SIFT, PolyPhen-2, Align-GVGD) all suggest that this variant is likely to be tolerated. This variant has not been reported in the literature in individuals affected with PPP3CA-related conditions. This variant is present in population databases (rs770314812, gnomAD 0.003%). This sequence change replaces alanine, which is neutral and non-polar, with threonine, which is neutral and polar, at codon 6 of the PPP3CA protein (p.Ala6Thr).

Blueprint Genetics
Classification: Uncertain significance. Last evaluated: 2022-03-10. Review status: criteria provided, single submitter. Criteria: ACMG Guidelines, 2015. Collection method: clinical testing. Allele origin: germline.

Revvity Omics, Revvity
Classification: Uncertain significance. Last evaluated: 2020-02-26. Review status: criteria provided, single submitter. Criteria: ACMG Guidelines, 2015. Collection method: clinical testing. Allele origin: germline.